The following is an entry in ClinVar:

NM_144670.6(A2ML1):c.3272T>C (p.Val1091Ala)

Gene: A2ML1 (alpha-2-macroglobulin like 1; plus strand). Cytogenetic location: 12p13.31.
Variant type: single nucleotide variant.
Coding change: c.3272T>C on transcript NM_144670.6 (MANE Select); coding-DNA position 3272, T replaced by C.
Protein change: p.Val1091Ala; replaces valine 1091 with alanine.
Molecular consequence: missense variant.
Genome position (GRCh38, 1-based): chr12:8,860,888, T>C. VCF-style: chr12-8860888-T-C. GRCh37 (hg19) VCF-style: chr12-9013484-T-C.
Other names: c.1799T>C, p.Val600Ala (NM_001282424.3); short protein forms V1091A, V600A.
Identifiers: ClinVar variation 241902 (VCV000241902.14), dbSNP rs61736726, ClinGen allele CA6436323.

ClinVar aggregate classification (germline): Benign. Review status: criteria provided, multiple submitters, no conflicts (2 of 4 stars). 4 submissions from 4 submitters: Benign (4). Last evaluated 2026-02-02.

Allele frequency attached by ClinVar (database versions not stated): gnomAD 0.01227 and 0.01323; 1000 Genomes Project 0.01238; 1000 Genomes Project 30x 0.01265; ESP Exome Variant Server 0.01342; TOPMed 0.01403.
gnomAD v4.1: 3,638 of 1,614,078 alleles (0.23%); highest among the groups gnomAD compares: African/African-American, 4.3%; 77 homozygotes.

Submissions (4):

Labcorp Genetics (formerly Invitae), Labcorp
Classification: Benign. Last evaluated: 2026-02-02. Review status: criteria provided, single submitter. Criteria: Invitae Variant Classification Sherloc (09022015). Collection method: clinical testing. Allele origin: germline.

Women's Health and Genetics/Laboratory Corporation of America, LabCorp
Classification: Benign. Last evaluated: 2019-08-19. Review status: criteria provided, single submitter. Criteria: LabCorp Variant Classification Summary - May 2015. Collection method: clinical testing. Allele origin: germline.
Comment: Variant summary: A2ML1 c.3272T>C (p.Val1091Ala) results in a non-conservative amino acid change located in the alpha-2-macroglobulin, TED domain (IPR041813) of the encoded protein sequence. Three of five in-silico tools predict a damaging effect of the variant on protein function. The variant allele was found at a frequency of 0.0029 in 249556 control chromosomes, predominantly at a frequency of 0.042 within the African or African-American subpopulation in the gnomAD database, including 12 homozygotes. The observed variant frequency within African or African-American control individuals in the gnomAD database is approximately 10500 fold of the estimated maximal expected allele frequency for a pathogenic variant in A2ML1 causing Noonan Syndrome phenotype (4e-06), strongly suggesting that the variant is a benign polymorphism found primarily in populations of African or African-American origin. To our knowledge, no occurrence of c.3272T>C in individuals affected with Noonan Syndrome and no experimental evidence demonstrating its impact on protein function have been reported. Two ClinVar submissions (evaluation after 2014) cites the variant as benign. Based on the evidence outlined above, the variant was classified as benign.

GeneDx
Classification: Benign. Last evaluated: 2016-12-23. Review status: criteria provided, single submitter. Criteria: GeneDx Variant Classification (06012015). Collection method: clinical testing. Allele origin: germline. Affected: yes.
Comment: This variant is considered likely benign or benign based on one or more of the following criteria: it is a conservative change, it occurs at a poorly conserved position in the protein, it is predicted to be benign by multiple in silico algorithms, and/or has population frequency not consistent with disease.

Breakthrough Genomics
Classification: Benign. Review status: criteria provided, single submitter. Criteria: ACMG Guidelines, 2015. Collection method: not provided. Allele origin: germline. Inheritance: Autosomal dominant inheritance. Affected: yes.